The following is an entry in ClinVar:

NM_001267550.2(TTN):c.11977T>C (p.Ser3993Pro)

Gene: TTN (titin; minus strand). Cytogenetic location: 2q31.2.
Variant type: single nucleotide variant.
Coding change: c.11977T>C on transcript NM_001267550.2 (MANE Select); coding-DNA position 11977, T replaced by C.
Protein change: p.Ser3993Pro; replaces serine 3993 with proline.
Molecular consequence: missense variant. On other transcripts: intron variant (1).
Genome position (GRCh38, 1-based): chr2:178,741,256, A>G on the plus strand (T>C on the coding strand, the complement: TTN is on the minus strand). VCF-style: chr2-178741256-A-G. GRCh37 (hg19) VCF-style: chr2-179605983-A-G.
Other names: c.11026T>C, p.Ser3676Pro (NM_001256850.1); c.10888T>C, p.Ser3630Pro (NM_003319.4); c.11263T>C, p.Ser3755Pro (NM_133432.3); c.11464T>C, p.Ser3822Pro (NM_133437.4); c.10361-2896T>C (NM_133378.4); short protein forms S3630P, S3676P, S3755P, S3822P, S3993P.
Identifiers: ClinVar variation 1788099 (VCV001788099.2), dbSNP rs771077873, ClinGen allele CA2002780.

ClinVar aggregate classification (germline): Uncertain significance (1 of 4 stars; one submission).

Conditions:
Cardiovascular phenotype. Identifiers: MedGen CN230736.

Allele frequency attached by ClinVar (database versions not stated): gnomAD exomes below 0.00001; ExAC 0.00001; TOPMed 0.00001.

Submission:

Ambry Genetics
Classification: Uncertain significance for Cardiovascular phenotype. Last evaluated: 2020-01-31. Review status: criteria provided, single submitter. Criteria: Ambry Variant Classification Scheme 2023. Collection method: clinical testing. Allele origin: germline.
Comment: The p.S3630P variant (also known as c.10888T>C), located in coding exon 44 of the TTN gene, results from a T to C substitution at nucleotide position 10888. The serine at codon 3630 is replaced by proline, an amino acid with similar properties. This amino acid position is well conserved in available vertebrate species. In addition, this alteration is predicted to be tolerated by in silico analysis. Since supporting evidence is limited at this time, the clinical significance of this alteration remains unclear.